The following is an entry in ClinVar:

NM_182914.3(SYNE2):c.13775C>T (p.Ala4592Val)

Gene: SYNE2 (spectrin repeat containing nuclear envelope protein 2; plus strand). Cytogenetic location: 14q23.2.
Variant type: single nucleotide variant.
Coding change: c.13775C>T on transcript NM_182914.3 (MANE Select); coding-DNA position 13775, C replaced by T.
Protein change: p.Ala4592Val; replaces alanine 4592 with valine.
Molecular consequence: missense variant.
Genome position (GRCh38, 1-based): chr14:64,126,665, C>T. VCF-style: chr14-64126665-C-T. GRCh37 (hg19) VCF-style: chr14-64593383-C-T.
Other names: c.13775C>T, p.Ala4592Val (NM_015180.6); short protein forms A4592V.
Identifiers: ClinVar variation 1477168 (VCV001477168.6), dbSNP rs2153672678, ClinGen allele CA389971894.
Genomic context (GRCh38, chr14:64,126,665, plus strand): 5'-CTCTTGAGTTGAAGAAACTTTATTTAGCGCTAAGTGACAAGAAGGGTGATCTTTTGAAAG[C>T]CATGACTTGGCCTGGCGAGAACACCAACTTGCTCCTTGAATGTTTTGACAACCTTCAAGT-3'
Protein context (NP_878918.2, residues 4582-4602): LSDKKGDLLK[Ala4592Val]MTWPGENTNL

ClinVar aggregate classification (germline): Uncertain significance (1 of 4 stars; one submission).

Conditions:
Emery-Dreifuss muscular dystrophy 5, autosomal dominant (EDMD5). Also called: EMERY-DREIFUSS MUSCULAR DYSTROPHY 5. Identifiers: Orphanet 261, MedGen C2751805, MONDO:0013072, OMIM 612999.

Submission:

Labcorp Genetics (formerly Invitae), Labcorp
Classification: Uncertain significance for Emery-Dreifuss muscular dystrophy 5, autosomal dominant. Last evaluated: 2022-07-05. Review status: criteria provided, single submitter. Criteria: Invitae Variant Classification Sherloc (09022015). Collection method: clinical testing. Allele origin: germline.
Comment: Algorithms developed to predict the effect of missense changes on protein structure and function are either unavailable or do not agree on the potential impact of this missense change (SIFT: "Tolerated"; PolyPhen-2: "Probably Damaging"; Align-GVGD: "Class C0"). In summary, the available evidence is currently insufficient to determine the role of this variant in disease. Therefore, it has been classified as a Variant of Uncertain Significance. ClinVar contains an entry for this variant (Variation ID: 1477168). This variant has not been reported in the literature in individuals affected with SYNE2-related conditions. This variant is not present in population databases (gnomAD no frequency). This sequence change replaces alanine, which is neutral and non-polar, with valine, which is neutral and non-polar, at codon 4592 of the SYNE2 protein (p.Ala4592Val).